The following is an entry in ClinVar:

ClinVar aggregate classification (germline): Uncertain significance. Review status: criteria provided, single submitter (1 of 4 stars). 2 submissions from 2 submitters: Uncertain significance (1). 1 of the submissions does not count toward it. Last evaluated 2024-05-16.

Conditions:
Menkes kinky-hair syndrome (MNK). Also called: Copper transport disease; Menkes Disease; Classic Menkes Disease. Identifiers: Orphanet 565, MedGen C0022716, MONDO:0010651, OMIM 309400.
X-linked distal spinal muscular atrophy type 3. Also called: ATP7A-Related Distal Motor Neuropathy; SPINAL MUSCULAR ATROPHY, DISTAL, X-LINKED RECESSIVE; NEURONOPATHY, DISTAL HEREDITARY MOTOR, X-LINKED; NEUROPATHY, DISTAL HEREDITARY MOTOR, X-LINKED. Identifiers: Orphanet 139557, MedGen C1845359, MONDO:0010338, OMIM 300489.
Cutis laxa, X-linked (OHS). Also called: EDS IX; Occipital horn syndrome. Identifiers: Orphanet 198, MedGen C0268353, MONDO:0010572, OMIM 304150.

Submissions (2):

Labcorp Genetics (formerly Invitae), Labcorp
Classification: Uncertain significance for X-linked distal spinal muscular atrophy type 3; Cutis laxa, X-linked; Menkes kinky-hair syndrome. Last evaluated: 2024-05-16. Review status: criteria provided, single submitter. Criteria: Invitae Variant Classification Sherloc (09022015). Collection method: clinical testing. Allele origin: germline.
Comment: This sequence change replaces valine, which is neutral and non-polar, with methionine, which is neutral and non-polar, at codon 1489 of the ATP7A protein (p.Val1489Met). This variant is not present in population databases (gnomAD no frequency). This variant has not been reported in the literature in individuals affected with ATP7A-related conditions. Advanced modeling of protein sequence and biophysical properties (such as structural, functional, and spatial information, amino acid conservation, physicochemical variation, residue mobility, and thermodynamic stability) performed at Invitae indicates that this missense variant is not expected to disrupt ATP7A protein function with a negative predictive value of 95%. In summary, the available evidence is currently insufficient to determine the role of this variant in disease. Therefore, it has been classified as a Variant of Uncertain Significance.

Natera, Inc.
Classification: Uncertain significance for Menkes kinky hair syndrome. Last evaluated: 2025-03-19. Review status: no assertion criteria provided. Collection method: clinical testing. Allele origin: germline. Not counted in ClinVar's aggregate classification.

NM_000052.7(ATP7A):c.4465G>A (p.Val1489Met)

Gene: ATP7A (ATPase copper transporting alpha; plus strand). Cytogenetic location: Xq21.1.
Variant type: single nucleotide variant.
Coding change: c.4465G>A on transcript NM_000052.7 (MANE Select); coding-DNA position 4465, G replaced by A.
Protein change: p.Val1489Met; replaces valine 1489 with methionine.
Molecular consequence: missense variant. On other transcripts: non-coding transcript variant (1).
Genome position (GRCh38, 1-based): chrX:78,046,532, G>A. VCF-style: chrX-78046532-G-A. GRCh37 (hg19) VCF-style: chrX-77302029-G-A.
Other names: c.4231G>A, p.Val1411Met (NM_001282224.2); c.4465G>A (NM_000052.6); short protein forms V1411M, V1489M.
Identifiers: ClinVar variation 3753819 (VCV003753819.3).